The following is an entry in ClinVar:

ClinVar aggregate classification (germline): Benign/Likely benign. Review status: criteria provided, multiple submitters, no conflicts (2 of 4 stars). 2 submissions from 2 submitters: Benign (1); Likely benign (1). Last evaluated 2026-07-01.

Allele frequency attached by ClinVar (database versions not stated): gnomAD exomes below 0.00001.
gnomAD v4.1: 1 of 1,613,868 alleles (0.000062%); highest among the groups gnomAD compares: Non-Finnish European, 0.000085%; no homozygotes.

Submissions (2):

CeGaT Center for Human Genetics Tuebingen
Classification: Likely benign. Last evaluated: 2026-07-01. Review status: criteria provided, single submitter. Criteria: CeGaT Center For Human Genetics Tuebingen Variant Classification Criteria Version 2. Collection method: clinical testing. Allele origin: germline. Affected: yes. Observed: 1 variant allele.
Comment: RHOBTB2: BS2

Labcorp Genetics (formerly Invitae), Labcorp
Classification: Benign. Last evaluated: 2024-10-15. Review status: criteria provided, single submitter. Criteria: Invitae Variant Classification Sherloc (09022015). Collection method: clinical testing. Allele origin: germline.

NM_015178.3(RHOBTB2):c.670G>A (p.Val224Met)

Gene: RHOBTB2 (Rho related BTB domain containing 2; plus strand). Cytogenetic location: 8p21.3.
Variant type: single nucleotide variant.
Coding change: c.670G>A on transcript NM_015178.3 (MANE Select); coding-DNA position 670, G replaced by A.
Protein change: p.Val224Met; replaces valine 224 with methionine.
Molecular consequence: missense variant.
Genome position (GRCh38, 1-based): chr8:23,006,915, G>A. VCF-style: chr8-23006915-G-A. GRCh37 (hg19) VCF-style: chr8-22864428-G-A.
Other names: c.736G>A, p.Val246Met (NM_001160036.2); c.691G>A, p.Val231Met (NM_001160037.2); c.670G>A, p.Val224Met (NM_001374791.1); short protein forms V231M, V246M, V224M.
Identifiers: ClinVar variation 1357167 (VCV001357167.7), dbSNP rs1810969628, ClinGen allele CA370564807.
Genomic context (GRCh38, chr8:23,006,915, plus strand): 5'-ATCCGAGCTGCACTCATCTCCCGCCGCCACCTGCAGTTCTGGAAGTCCCACCTCCGCAAT[G>A]TGCAGCGGCCTCTGCTGCAGGCACCCTTCCTACCCCCCAAGCCACCGCCCCCGATCATCG-3'
Protein context (NP_055993.2, residues 214-234): LQFWKSHLRN[Val224Met]QRPLLQAPFL